The following is an entry in ClinVar:

NM_014694.4(ADAMTSL2):c.1321G>A (p.Glu441Lys)

Gene: ADAMTSL2 (ADAMTS like 2; plus strand). Cytogenetic location: 9q34.2.
Variant type: single nucleotide variant.
Coding change: c.1321G>A on transcript NM_014694.4 (MANE Select); coding-DNA position 1321, G replaced by A.
Protein change: p.Glu441Lys; replaces glutamic acid 441 with lysine.
Molecular consequence: missense variant.
Genome position (GRCh38, 1-based): chr9:133,555,602, G>A. VCF-style: chr9-133555602-G-A. GRCh37 (hg19) VCF-style: chr9-136420724-G-A.
Other names: c.1321G>A, p.Glu441Lys (NM_001145320.2); c.1321G>A (NM_014694.3); short protein forms E441K.
Identifiers: ClinVar variation 1805804 (VCV001805804.2), dbSNP rs1830587500, ClinGen allele CA375414670.

ClinVar aggregate classification (germline): Uncertain significance. Review status: criteria provided, multiple submitters, no conflicts (2 of 4 stars). 2 submissions from 2 submitters: Uncertain significance (2). Last evaluated 2024-06-21.

Conditions:
Geleophysic dysplasia 1 (GPHYSD1). Also called: Geleophysic dwarfism. Identifiers: Orphanet 2623, MedGen C3278147, MONDO:0009269, OMIM 231050.

Allele frequency attached by ClinVar (database versions not stated): TOPMed below 0.00001; gnomAD 0.00001; gnomAD exomes 0.00004.
gnomAD v4.1: 54 of 1,613,142 alleles (0.0033%); highest among the groups gnomAD compares: Non-Finnish European, 0.004%; no homozygotes.

Submissions (2):

GeneDx
Classification: Uncertain significance. Last evaluated: 2024-06-21. Review status: criteria provided, single submitter. Criteria: GeneDx Variant Classification Process June 2021. Collection method: clinical testing. Allele origin: germline. Affected: yes.
Comment: Not observed at significant frequency in large population cohorts (gnomAD); In silico analysis indicates that this missense variant does not alter protein structure/function; Has not been previously published as pathogenic or benign to our knowledge

Victorian Clinical Genetics Services, Murdoch Childrens Research Institute
Classification: Uncertain significance for Geleophysic dysplasia 1. Last evaluated: 2020-05-25. Review status: criteria provided, single submitter. Criteria: ACMG Guidelines, 2015. Collection method: clinical testing. Allele origin: germline. Inheritance: Autosomal recessive inheritance.
Comment: A heterozygous missense variant was identified, NM_001145320.1(ADAMTSL2):c.1321G>A in exon 11 of the ADAMTSL2 gene. This substitution is predicted to create a minor amino acid change from a glutamic acid to a lysine at position 441 of the protein; NP_001138792.1(ADAMTSL2):p.(Glu441Lys). The glutamic acid at this position has low conservation (100 vertebrates, UCSC), and is not situated in a known functional domain (NCBI, PDB). In silico software predicts this variant to be tolerated (PolyPhen2, PROVEAN, FATHMM, Mutation Assessor). The variant is not present in the gnomAD population database, however this region of gnomAD has no coverage. This variant has not previously been reported in clinical cases. Based on information available at the time of curation, this variant has been classified as a VUS with LOW CLINICAL RELEVANCE.